The following is an entry in ClinVar:

NM_057088.3(KRT3):c.996C>T (p.Ile332=)

Gene: KRT3 (keratin 3; minus strand). Cytogenetic location: 12q13.13.
Variant type: single nucleotide variant.
Coding change: c.996C>T on transcript NM_057088.3 (MANE Select); coding-DNA position 996, C replaced by T.
Protein change: p.Ile332=; no amino-acid change (isoleucine 332 retained).
Molecular consequence: synonymous variant.
Genome position (GRCh38, 1-based): chr12:52,792,738, G>A on the plus strand (C>T on the coding strand, the complement: KRT3 is on the minus strand). VCF-style: chr12-52792738-G-A. GRCh37 (hg19) VCF-style: chr12-53186522-G-A.
Identifiers: ClinVar variation 726602 (VCV000726602.34), dbSNP rs144405688, ClinGen allele CA6588065.

ClinVar aggregate classification (germline): Benign/Likely benign. Review status: criteria provided, multiple submitters, no conflicts (2 of 4 stars). 4 submissions from 4 submitters: Benign (2); Likely benign (2). Last evaluated 2025-10-23.

Allele frequency attached by ClinVar (database versions not stated): ESP Exome Variant Server 0.00165; gnomAD 0.00167 and 0.00176; TOPMed 0.00179; 1000 Genomes Project 0.00180; 1000 Genomes Project 30x 0.00219; gnomAD exomes 0.00223 and 0.00271; ExAC 0.00238.

Submissions (4):

Labcorp Genetics (formerly Invitae), Labcorp
Classification: Benign. Last evaluated: 2025-10-23. Review status: criteria provided, single submitter. Criteria: Invitae Variant Classification Sherloc (09022015). Collection method: clinical testing. Allele origin: germline.

Blueprint Genetics
Classification: Likely benign. Last evaluated: 2024-11-17. Review status: criteria provided, single submitter. Criteria: ACMG Guidelines, 2015. Collection method: clinical testing. Allele origin: germline.

CeGaT Center for Human Genetics Tuebingen
Classification: Likely benign. Last evaluated: 2023-02-01. Review status: criteria provided, single submitter. Criteria: CeGaT Center For Human Genetics Tuebingen Variant Classification Criteria Version 2. Collection method: clinical testing. Allele origin: germline. Affected: yes. Observed: 2 variant alleles.
Comment: KRT3: BP4, BP7

Breakthrough Genomics
Classification: Benign. Review status: criteria provided, single submitter. Criteria: ACMG Guidelines, 2015. Collection method: not provided. Allele origin: germline. Inheritance: Autosomal dominant inheritance. Affected: yes.